The following is an entry in ClinVar:

NM_020297.4(ABCC9):c.1168A>G (p.Met390Val)

Gene: ABCC9 (ATP binding cassette subfamily C member 9; minus strand). Cytogenetic location: 12p12.1.
Variant type: single nucleotide variant.
Coding change: c.1168A>G on transcript NM_020297.4 (MANE Select); coding-DNA position 1168, A replaced by G.
Protein change: p.Met390Val; replaces methionine 390 with valine.
Molecular consequence: missense variant.
Genome position (GRCh38, 1-based): chr12:21,910,309, T>C on the plus strand (A>G on the coding strand, the complement: ABCC9 is on the minus strand). VCF-style: chr12-21910309-T-C. GRCh37 (hg19) VCF-style: chr12-22063243-T-C.
Other names: c.1168A>G, p.Met390Val (NM_001377273.1, NM_005691.4); c.304A>G, p.Met102Val (NM_001377274.1); short protein forms M102V, M390V.
Identifiers: ClinVar variation 1354346 (VCV001354346.8), dbSNP rs2137869595, ClinGen allele CA384119090.

ClinVar aggregate classification (germline): Uncertain significance (1 of 4 stars; one submission).

Conditions:
Dilated cardiomyopathy 1O (CMD1O). Also called: CARDIOMYOPATHY, DILATED, WITH VENTRICULAR TACHYCARDIA. Identifiers: Orphanet 154, MedGen C1837839, MONDO:0012062, OMIM 608569.

Submission:

Labcorp Genetics (formerly Invitae), Labcorp
Classification: Uncertain significance for Dilated cardiomyopathy 1O. Last evaluated: 2025-08-13. Review status: criteria provided, single submitter. Criteria: Invitae Variant Classification Sherloc (09022015). Collection method: clinical testing. Allele origin: germline.
Comment: This sequence change replaces methionine, which is neutral and non-polar, with valine, which is neutral and non-polar, at codon 390 of the ABCC9 protein (p.Met390Val). This variant is not present in population databases (gnomAD no frequency). This variant has not been reported in the literature in individuals affected with ABCC9-related conditions. ClinVar contains an entry for this variant (Variation ID: 1354346). Invitae Evidence Modeling of protein sequence and biophysical properties (such as structural, functional, and spatial information, amino acid conservation, physicochemical variation, residue mobility, and thermodynamic stability) has been performed for this missense variant. However, the output from this modeling did not meet the statistical confidence thresholds required to predict the impact of this variant on ABCC9 protein function. In summary, the available evidence is currently insufficient to determine the role of this variant in disease. Therefore, it has been classified as a Variant of Uncertain Significance.